The following is an entry in ClinVar:

NM_201384.3(PLEC):c.2025C>T (p.Leu675=)

Gene: PLEC (plectin; minus strand). Cytogenetic location: 8q24.3.
Variant type: single nucleotide variant.
Coding change: c.2025C>T on transcript NM_201384.3 (MANE Select); coding-DNA position 2025, C replaced by T.
Protein change: p.Leu675=; no amino-acid change (leucine 675 retained).
Molecular consequence: synonymous variant.
Genome position (GRCh38, 1-based): chr8:143,932,187, G>A on the plus strand (C>T on the coding strand, the complement: PLEC is on the minus strand). VCF-style: chr8-143932187-G-A. GRCh37 (hg19) VCF-style: chr8-145006355-G-A.
Other names: c.2106C>T, p.Leu702= (NM_000445.5, NM_001410941.1); c.1983C>T, p.Leu661= (NM_201378.4); c.1959C>T, p.Leu653= (NM_201379.3); c.2436C>T, p.Leu812= (NM_201380.4); c.1929C>T, p.Leu643= (NM_201381.3); c.2025C>T, p.Leu675= (NM_201382.4); c.2037C>T, p.Leu679= (NM_201383.3).
Identifiers: ClinVar variation 4990983 (VCV004990983.1).

ClinVar aggregate classification (germline): Likely benign (1 of 4 stars; one submission).

Conditions:
PLEC-related disorder. Also called: PLEC-related disorders; PLEC-related condition.

Submission:

PreventionGenetics, part of Exact Sciences
Classification: Likely benign for PLEC-related condition. Last evaluated: 2026-08-31. Review status: criteria provided, single submitter. Criteria: ACMG Guidelines, 2015. Collection method: clinical testing. Allele origin: germline.
Comment: This variant is classified as likely benign based on ACMG/AMP sequence variant interpretation guidelines (Richards et al. 2015 PMID: 25741868, with internal and published modifications).